The following is an entry in ClinVar:

NM_000829.4(GRIA4):c.2295-1G>A

Gene: GRIA4 (glutamate ionotropic receptor AMPA type subunit 4; plus strand). Cytogenetic location: 11q22.3.
Variant type: single nucleotide variant.
Coding change: c.2295-1G>A on transcript NM_000829.4 (MANE Select); the canonical splice acceptor site of the intron before coding-DNA position 2295, G replaced by A.
Molecular consequence: splice acceptor variant. On other transcripts: intron variant (1).
Genome position (GRCh38, 1-based): chr11:105,971,913, G>A. VCF-style: chr11-105971913-G-A. GRCh37 (hg19) VCF-style: chr11-105842640-G-A.
Other names: c.2410-2397G>A (NM_001077243.3).
Identifiers: ClinVar variation 3390808 (VCV003390808.1).
Genomic context (GRCh38, chr11:105,971,913, plus strand): 5'-TTTTACTTGAATAACATAAAATAACATATATAATGTTATTTATGTTATTTTCCACGTGAA[G>A]AACTCCTGTAAACCTTGCCGTTTTGAAACTCAGTGAGGCAGGCGTCTTAGACAAGCTGAA-3'

ClinVar aggregate classification (germline): Uncertain significance (1 of 4 stars; one submission).

gnomAD v4.1: 2 of 1,561,624 alleles (0.00013%); highest among the groups gnomAD compares: Non-Finnish European, 0.00018%; no homozygotes.

Submission:

GeneDx
Classification: Uncertain significance. Last evaluated: 2024-06-09. Review status: criteria provided, single submitter. Criteria: GeneDx Variant Classification Process June 2021. Collection method: clinical testing. Allele origin: germline. Affected: yes.
Comment: Not observed at significant frequency in large population cohorts (gnomAD); Canonical splice site variant in a gene or region of a gene for which loss of function is not a well-established mechanism of disease; Has not been previously published as pathogenic or benign to our knowledge